The following is an entry in ClinVar:

ClinVar aggregate classification (germline): Uncertain significance. Review status: criteria provided, multiple submitters, no conflicts (2 of 4 stars). 2 submissions from 2 submitters: Uncertain significance (2). Last evaluated 2025-09-10.

Conditions:
Inborn genetic diseases. Identifiers: MedGen C0950123, MeSH D030342.
H syndrome. Also called: FAISALABAD HISTIOCYTOSIS; Histiocytosis with joint contractures and sensorineural deafness; HISTIOCYTOSIS AND LYMPHADENOPATHY WITH OR WITHOUT CUTANEOUS, CARDIAC, AND/OR ENDOCRINE FEATURES, JOINT CONTRACTURES, AND/OR DEAFNESS; HYPERPIGMENTATION, CUTANEOUS, WITH HYPERTRICHOSIS, HEPATOSPLENOMEGALY, HEART ANOMALIES, AND HYPOGONADISM WITH OR WITHOUT HEARING LOSS; PIGMENTED HYPERTRICHOSIS WITH INSULIN-DEPENDENT DIABETES MELLITUS; ROSAI-DORFMAN DISEASE, FAMILIAL. Identifiers: Orphanet 168569, MedGen C1864445, MONDO:0011273, OMIM 602782.

Allele frequency attached by ClinVar (database versions not stated): gnomAD exomes 0.00002; ExAC 0.00004; ESP Exome Variant Server 0.00015; gnomAD 0.00017 and 0.00019; TOPMed 0.00018; 1000 Genomes Project 0.00020; 1000 Genomes Project 30x 0.00031.
gnomAD v4.1: 51 of 1,614,132 alleles (0.0032%); highest among the groups gnomAD compares: African/African-American, 0.06%; no homozygotes.

Submissions (2):

Ambry Genetics
Classification: Uncertain significance for Inborn genetic diseases. Last evaluated: 2025-09-10. Review status: criteria provided, single submitter. Criteria: Ambry Variant Classification Scheme 2023. Collection method: clinical testing. Allele origin: germline.

Labcorp Genetics (formerly Invitae), Labcorp
Classification: Uncertain significance for H syndrome. Last evaluated: 2024-01-04. Review status: criteria provided, single submitter. Criteria: Invitae Variant Classification Sherloc (09022015). Collection method: clinical testing. Allele origin: germline.
Comment: This sequence change replaces isoleucine, which is neutral and non-polar, with threonine, which is neutral and polar, at codon 169 of the SLC29A3 protein (p.Ile169Thr). This variant is present in population databases (rs139333654, gnomAD 0.04%). This variant has not been reported in the literature in individuals affected with SLC29A3-related conditions. ClinVar contains an entry for this variant (Variation ID: 1047378). Advanced modeling of protein sequence and biophysical properties (such as structural, functional, and spatial information, amino acid conservation, physicochemical variation, residue mobility, and thermodynamic stability) performed at Invitae indicates that this missense variant is not expected to disrupt SLC29A3 protein function with a negative predictive value of 80%. In summary, the available evidence is currently insufficient to determine the role of this variant in disease. Therefore, it has been classified as a Variant of Uncertain Significance.

NM_018344.6(SLC29A3):c.506T>C (p.Ile169Thr)

Gene: SLC29A3 (solute carrier family 29 member 3; plus strand). Cytogenetic location: 10q22.1.
Variant type: single nucleotide variant.
Coding change: c.506T>C on transcript NM_018344.6 (MANE Select); coding-DNA position 506, T replaced by C.
Protein change: p.Ile169Thr; replaces isoleucine 169 with threonine.
Molecular consequence: missense variant. On other transcripts: non-coding transcript variant (1).
Genome position (GRCh38, 1-based): chr10:71,351,684, T>C. VCF-style: chr10-71351684-T-C. GRCh37 (hg19) VCF-style: chr10-73111441-T-C.
Other names: c.506T>C, p.Ile169Thr (NM_001174098.2); c.272T>C, p.Ile91Thr (NM_001363518.2); c.506T>C (NM_018344.5); short protein forms I91T, I169T.
Identifiers: ClinVar variation 1047378 (VCV001047378.9), dbSNP rs139333654, ClinGen allele CA5542949.